The following is an entry in ClinVar:

NM_001114753.3(ENG):c.1583C>G (p.Pro528Arg)

Genes: ENG (endoglin; minus strand), LOC102723566 (uncharacterized LOC102723566; plus strand). Cytogenetic location: 9q34.11.
Variant type: single nucleotide variant.
Coding change: c.1583C>G on transcript NM_001114753.3 (MANE Select); coding-DNA position 1583, C replaced by G.
Protein change: p.Pro528Arg; replaces proline 528 with arginine.
Molecular consequence: missense variant.
Genome position (GRCh38, 1-based): chr9:127,818,223, G>C on the plus strand (C>G on the coding strand, the complement: ENG is on the minus strand). VCF-style: chr9-127818223-G-C. GRCh37 (hg19) VCF-style: chr9-130580502-G-C.
Other names: c.1583C>G, p.Pro528Arg (NM_000118.4); c.1037C>G, p.Pro346Arg (NM_001278138.2); c.1583C>G (NM_001114753.1); short protein forms P528R, P346R.
Identifiers: ClinVar variation 3018451 (VCV003018451.4), dbSNP rs779916731, ClinGen allele CA5252725.

ClinVar aggregate classification (germline): Conflicting classifications of pathogenicity. Review status: criteria provided, conflicting classifications (1 of 4 stars). 2 submissions from 2 submitters: Uncertain significance (1); Benign (1). Last evaluated 2026-03-03.

Conditions:
Cardiovascular phenotype. Identifiers: MedGen CN230736.
Hereditary hemorrhagic telangiectasia (HHT). Also called: ORW DISEASE; Osler Weber Rendu syndrome; OSLER-RENDU-WEBER DISEASE; Osler hemorrhagic telangiectasia syndrome. Identifiers: Orphanet 774, MedGen C0039445, MONDO:0019180. Disease mechanism: loss of function.

gnomAD v4.1: 2 of 1,614,166 alleles (0.00012%); highest among the groups gnomAD compares: Non-Finnish European, 0.000085%; no homozygotes.

Submissions (2):

Ambry Genetics
Classification: Uncertain significance for Cardiovascular phenotype. Last evaluated: 2026-03-03. Review status: criteria provided, single submitter. Criteria: Ambry Variant Classification Scheme 2023. Collection method: clinical testing. Allele origin: germline.
Comment: The c.1583C>G (p.P528R) alteration is located in exon 12 (coding exon 12) of the ENG gene. This alteration results from a C to G substitution at nucleotide position 1583, causing the proline (P) at amino acid position 528 to be replaced by an arginine (R). Based on data from gnomAD, the G allele has an overall frequency of 0.001% (2/251290) total alleles studied. The highest observed frequency was 0.006% (1/16242) of African alleles. Based on insufficient or conflicting evidence, the clinical significance of this alteration remains unclear.

Labcorp Genetics (formerly Invitae), Labcorp
Classification: Benign for Hereditary hemorrhagic telangiectasia. Last evaluated: 2024-02-23. Review status: criteria provided, single submitter. Criteria: Invitae Variant Classification Sherloc (09022015). Collection method: clinical testing. Allele origin: germline.